The following is an entry in ClinVar:

NM_000593.6(TAP1):c.2072G>C (p.Arg691Pro)

Genes: PSMB8-AS1 (PSMB8 antisense RNA 1; plus strand), TAP1 (transporter 1, ATP binding cassette subfamily B member; minus strand). Cytogenetic location: 6p21.32.
Variant type: single nucleotide variant.
Coding change: c.2072G>C on transcript NM_000593.6 (MANE Select); coding-DNA position 2072, G replaced by C.
Protein change: p.Arg691Pro; replaces arginine 691 with proline.
Molecular consequence: missense variant. On other transcripts: non-coding transcript variant (4).
Genome position (GRCh38, 1-based): chr6:32,845,754, C>G on the plus strand (G>C on the coding strand, the complement: TAP1 is on the minus strand). VCF-style: chr6-32845754-C-G. GRCh37 (hg19) VCF-style: chr6-32813531-C-G.
Other names: c.1469G>C, p.Arg490Pro (NM_001292022.2); short protein forms R490P, R691P.
Identifiers: ClinVar variation 972503 (VCV000972503.5), dbSNP rs200753447, ClinGen allele CA3746584.

ClinVar aggregate classification (germline): Uncertain significance (1 of 4 stars; one submission).

Conditions:
MHC class I deficiency. Identifiers: Orphanet 34592, MedGen C6024714, MONDO:0011476.

Allele frequency attached by ClinVar (database versions not stated): TOPMed 0.00011.
gnomAD v4.1: 247 of 1,612,566 alleles (0.015%); highest among the groups gnomAD compares: Non-Finnish European, 0.019%; no homozygotes.

Submission:

Labcorp Genetics (formerly Invitae), Labcorp
Classification: Uncertain significance for MHC class I deficiency 1. Last evaluated: 2022-09-07. Review status: criteria provided, single submitter. Criteria: Invitae Variant Classification Sherloc (09022015). Collection method: clinical testing. Allele origin: germline.
Comment: This sequence change replaces arginine, which is basic and polar, with proline, which is neutral and non-polar, at codon 751 of the TAP1 protein (p.Arg751Pro). This variant is present in population databases (rs200753447, gnomAD 0.07%). This variant has not been reported in the literature in individuals affected with TAP1-related conditions. ClinVar contains an entry for this variant (Variation ID: 972503). Algorithms developed to predict the effect of missense changes on protein structure and function output the following: SIFT: "Deleterious"; PolyPhen-2: "Benign"; Align-GVGD: "Class C0". The proline amino acid residue is found in multiple mammalian species, which suggests that this missense change does not adversely affect protein function. In summary, the available evidence is currently insufficient to determine the role of this variant in disease. Therefore, it has been classified as a Variant of Uncertain Significance.